The following is an entry in ClinVar:

NM_004415.4(DSP):c.3767T>C (p.Leu1256Pro)

Gene: DSP (desmoplakin; plus strand). Cytogenetic location: 6p24.3.
Variant type: single nucleotide variant.
Coding change: c.3767T>C on transcript NM_004415.4 (MANE Select); coding-DNA position 3767, T replaced by C.
Protein change: p.Leu1256Pro; replaces leucine 1256 with proline.
Molecular consequence: missense variant. On other transcripts: intron variant (1).
Genome position (GRCh38, 1-based): chr6:7,579,957, T>C. VCF-style: chr6-7579957-T-C. GRCh37 (hg19) VCF-style: chr6-7580190-T-C.
Other names: c.3767T>C, p.Leu1256Pro (NM_001319034.2); c.3582+185T>C (NM_001008844.3); short protein forms L1256P.
Identifiers: ClinVar variation 3224227 (VCV003224227.1), dbSNP rs2533925757, ClinGen allele CA362684810.
Genomic context (GRCh38, chr6:7,579,957, plus strand): 5'-GAAACCAGCTTGATAGACTTTCAAGGGAAAATCGAGATCTGAAGGATGAAATTGTCAGGC[T>C]CAATGACAGCATCTTGCAGGCCACTGAGCAGCGAAGGCGAGCTGAAGAAAACGCCCTTCA-3'
Protein context (NP_004406.2, residues 1246-1266): NRDLKDEIVR[Leu1256Pro]NDSILQATEQ

ClinVar aggregate classification (germline): Uncertain significance (1 of 4 stars; one submission).

Conditions:
Cardiovascular phenotype. Identifiers: MedGen CN230736.

Submission:

Ambry Genetics
Classification: Uncertain significance for Cardiovascular phenotype. Last evaluated: 2023-12-12. Review status: criteria provided, single submitter. Criteria: Ambry Variant Classification Scheme 2023. Collection method: clinical testing. Allele origin: germline.
Comment: The p.L1256P variant (also known as c.3767T>C), located in coding exon 23 of the DSP gene, results from a T to C substitution at nucleotide position 3767. The leucine at codon 1256 is replaced by proline, an amino acid with similar properties. This amino acid position is conserved. In addition, this alteration is predicted to be deleterious by in silico analysis. Since supporting evidence is limited at this time, the clinical significance of this alteration remains unclear.